The following is an entry in ClinVar:

NM_001846.4(COL4A2):c.3246C>G (p.Gly1082=)

Gene: COL4A2 (collagen type IV alpha 2 chain; plus strand). Cytogenetic location: 13q34.
Variant type: single nucleotide variant.
Coding change: c.3246C>G on transcript NM_001846.4 (MANE Select); coding-DNA position 3246, C replaced by G.
Protein change: p.Gly1082=; no amino-acid change (glycine 1082 retained).
Molecular consequence: synonymous variant.
Genome position (GRCh38, 1-based): chr13:110,489,483, C>G. VCF-style: chr13-110489483-C-G. GRCh37 (hg19) VCF-style: chr13-111141830-C-G.
Identifiers: ClinVar variation 4983282 (VCV004983282.1).

ClinVar aggregate classification (germline): Likely benign (1 of 4 stars; one submission).

Conditions:
COL4A2-related disorder. Also called: COL4A2-related disorders; COL4A2-related condition.

Submission:

PreventionGenetics, part of Exact Sciences
Classification: Likely benign for COL4A2-related condition. Last evaluated: 2024-11-09. Review status: criteria provided, single submitter. Criteria: ACMG Guidelines, 2015. Collection method: clinical testing. Allele origin: germline.
Comment: This variant is classified as likely benign based on ACMG/AMP sequence variant interpretation guidelines (Richards et al. 2015 PMID: 25741868, with internal and published modifications).